The following is an entry in ClinVar:

ClinVar aggregate classification (germline): Uncertain significance. Review status: criteria provided, multiple submitters, no conflicts (2 of 4 stars). 2 submissions from 2 submitters: Uncertain significance (2). Last evaluated 2023-08-14.

Conditions:
Inborn genetic diseases. Identifiers: MedGen C0950123, MeSH D030342.

Allele frequency attached by ClinVar (database versions not stated): gnomAD 0.00001; TOPMed 0.00001.
gnomAD v4.1: 16 of 1,614,022 alleles (0.00099%); highest among the groups gnomAD compares: African/African-American, 0.0027%; no homozygotes.

Submissions (2):

Ambry Genetics
Classification: Uncertain significance for Inborn genetic diseases. Last evaluated: 2023-08-14. Review status: criteria provided, single submitter. Criteria: Ambry Variant Classification Scheme 2023. Collection method: clinical testing. Allele origin: germline.

Labcorp Genetics (formerly Invitae), Labcorp
Classification: Uncertain significance. Last evaluated: 2021-12-21. Review status: criteria provided, single submitter. Criteria: Invitae Variant Classification Sherloc (09022015). Collection method: clinical testing. Allele origin: germline.
Comment: This sequence change replaces serine, which is neutral and polar, with leucine, which is neutral and non-polar, at codon 498 of the ABCC6 protein (p.Ser498Leu). This variant is present in population databases (no rsID available, gnomAD 0.02%). This variant has not been reported in the literature in individuals affected with ABCC6-related conditions. Advanced modeling of protein sequence and biophysical properties (such as structural, functional, and spatial information, amino acid conservation, physicochemical variation, residue mobility, and thermodynamic stability) performed at Invitae indicates that this missense variant is not expected to disrupt ABCC6 protein function. In summary, the available evidence is currently insufficient to determine the role of this variant in disease. Therefore, it has been classified as a Variant of Uncertain Significance.

NM_001171.6(ABCC6):c.1493C>T (p.Ser498Leu)

Gene: ABCC6 (ATP binding cassette subfamily C member 6; minus strand). Cytogenetic location: 16p13.11.
Variant type: single nucleotide variant.
Coding change: c.1493C>T on transcript NM_001171.6 (MANE Select); coding-DNA position 1493, C replaced by T.
Protein change: p.Ser498Leu; replaces serine 498 with leucine.
Molecular consequence: missense variant. On other transcripts: non-coding transcript variant (1).
Genome position (GRCh38, 1-based): chr16:16,190,306, G>A on the plus strand (C>T on the coding strand, the complement: ABCC6 is on the minus strand). VCF-style: chr16-16190306-G-A. GRCh37 (hg19) VCF-style: chr16-16284163-G-A.
Other names: c.1151C>T, p.Ser384Leu (NM_001351800.1); c.1493C>T (NM_001171.5); short protein forms S498L, S384L.
Identifiers: ClinVar variation 1903220 (VCV001903220.4), dbSNP rs923888648, ClinGen allele CA278658050.